The following is an entry in ClinVar:

NM_001164508.2(NEB):c.19406G>A (p.Arg6469Gln)

Gene: NEB (nebulin; minus strand). Cytogenetic location: 2q23.3.
Variant type: single nucleotide variant.
Coding change: c.19406G>A on transcript NM_001164508.2 (MANE Select); coding-DNA position 19406, G replaced by A.
Protein change: p.Arg6469Gln; replaces arginine 6469 with glutamine.
Molecular consequence: missense variant.
Genome position (GRCh38, 1-based): chr2:151,554,953, C>T on the plus strand (G>A on the coding strand, the complement: NEB is on the minus strand). VCF-style: chr2-151554953-C-T. GRCh37 (hg19) VCF-style: chr2-152411467-C-T.
Other names: c.19406G>A, p.Arg6469Gln (NM_001164507.2, NM_001271208.2); c.14303G>A, p.Arg4768Gln (NM_004543.5); c.14303G>A (NM_004543.4); short protein forms R6469Q, R4768Q.
Identifiers: ClinVar variation 429634 (VCV000429634.10), dbSNP rs556624010, ClinGen allele CA1907659.
Genomic context (GRCh38, chr2:151,554,953, plus strand): 5'-TGTATCCTAGTCATTAAGGGGCGCATGACCGTACTTACATCGATGTTAAGCTTGCCAACT[C>T]GGAGGCACCGTGCTGTGTTCGGATCATCGTCAACACTTCTTGGTAACGTATAAAGAGCTT-3'
Protein context (NP_001157980.2, residues 6459-6479): DDDPNTARCL[Arg6469Gln]VGKLNIDRLY

ClinVar aggregate classification (germline): Conflicting classifications of pathogenicity. Review status: criteria provided, conflicting classifications (1 of 4 stars). 4 submissions from 4 submitters: Uncertain significance (2); Benign (1). 1 of the submissions does not count toward it. Last evaluated 2025-12-03.

Conditions:
Inborn genetic diseases. Identifiers: MedGen C0950123, MeSH D030342.
Nemaline myopathy 2 (NEM2). Also called: Nemaline myopathy 2, autosomal recessive. Identifiers: MedGen C1850569, MONDO:0009725, OMIM 256030.

Allele frequency attached by ClinVar (database versions not stated): gnomAD 0.00010; TOPMed 0.00014; 1000 Genomes Project 30x 0.00016; 1000 Genomes Project 0.00020.
gnomAD v4.1: 60 of 1,613,656 alleles (0.0037%); highest among the groups gnomAD compares: African/African-American, 0.044%; no homozygotes.

Submissions (4):

Labcorp Genetics (formerly Invitae), Labcorp
Classification: Benign for Nemaline myopathy 2. Last evaluated: 2025-12-03. Review status: criteria provided, single submitter. Criteria: Invitae Variant Classification Sherloc (09022015). Collection method: clinical testing. Allele origin: germline.

Ambry Genetics
Classification: Uncertain significance for Inborn genetic diseases. Last evaluated: 2024-09-03. Review status: criteria provided, single submitter. Criteria: Ambry Variant Classification Scheme 2023. Collection method: clinical testing. Allele origin: germline.

GeneDx
Classification: Uncertain significance. Last evaluated: 2020-06-23. Review status: criteria provided, single submitter. Criteria: GeneDx Variant Classification Process June 2021. Collection method: clinical testing. Allele origin: germline. Affected: yes.
Comment: In silico analysis supports that this missense variant does not alter protein structure/function; Has not been previously published as pathogenic or benign to our knowledge

Natera, Inc.
Classification: Uncertain significance for Nemaline myopathy type 2. Last evaluated: 2019-11-11. Review status: no assertion criteria provided. Collection method: clinical testing. Allele origin: germline. Not counted in ClinVar's aggregate classification.